The following is an entry in ClinVar:

ClinVar aggregate classification (germline): Conflicting classifications of pathogenicity. Review status: criteria provided, conflicting classifications (1 of 4 stars). 6 submissions from 6 submitters: Uncertain significance (3); Likely benign (3). Last evaluated 2025-10-21.

Conditions:
Familial hypocalciuric hypercalcemia (FHH). Also called: Familial benign hypercalcemia. Identifiers: Orphanet 405, MedGen C1809471, MONDO:0018458.
Autosomal dominant hypocalcemia 1 (HYPOC1). Also called: HYPOCALCEMIA, FAMILIAL. Identifiers: MedGen C3715128, MONDO:0011013, OMIM 601198.
Nephrolithiasis/nephrocalcinosis. Identifiers: MedGen CN580796.

Allele frequency attached by ClinVar (database versions not stated): gnomAD 0.00001 and 0.00002; gnomAD exomes 0.00002 and 0.00004; TOPMed 0.00002; ExAC 0.00004; ESP Exome Variant Server 0.00008.
gnomAD v4.1: 39 of 1,611,284 alleles (0.0024%); highest among the groups gnomAD compares: Middle Eastern, 0.017%; 1 homozygote.

Submissions (6):

Mayo Clinic Laboratories, Mayo Clinic
Classification: Likely benign. Last evaluated: 2025-10-21. Review status: criteria provided, single submitter. Criteria: ACMG Guidelines, 2015. Collection method: clinical testing. Allele origin: germline. Observed: 1 variant allele.
Comment: BP4, BP7

Labcorp Genetics (formerly Invitae), Labcorp
Classification: Likely benign for Familial hypocalciuric hypercalcemia; Autosomal dominant hypocalcemia 1. Last evaluated: 2025-10-13. Review status: criteria provided, single submitter. Criteria: Invitae Variant Classification Sherloc (09022015). Collection method: clinical testing. Allele origin: germline.

Center for Genomic Medicine, Rigshospitalet, Copenhagen University Hospital
Classification: Uncertain significance. Last evaluated: 2025-03-04. Review status: criteria provided, single submitter. Criteria: ACMG Guidelines, 2015. Collection method: clinical testing. Allele origin: germline.

Women's Health and Genetics/Laboratory Corporation of America, LabCorp
Classification: Uncertain significance. Last evaluated: 2025-01-14. Review status: criteria provided, single submitter. Criteria: LabCorp Variant Classification Summary - May 2015. Collection method: clinical testing. Allele origin: germline.
Comment: Variant summary: CASR c.492+5T>A alters a non-conserved nucleotide located close to a canonical splice site and therefore could affect mRNA splicing, leading to a significantly altered protein sequence. Consensus agreement among computation tools predict no significant impact on normal splicing. However, these predictions have yet to be confirmed by functional studies. The variant allele was found at a frequency of 4e-05 in 249464 control chromosomes. This frequency is not significantly higher than estimated for a pathogenic variant in CASR causing Neonatal Severe Hyperparathyroidism (4e-05 vs 0.0063), allowing no conclusion about variant significance. To our knowledge, no occurrence of c.492+5T>A in individuals affected with Neonatal Severe Hyperparathyroidism and no experimental evidence demonstrating its impact on protein function have been reported. ClinVar contains an entry for this variant (Variation ID: 577179). Based on the evidence outlined above, the variant was classified as uncertain significance.

Ambry Genetics
Classification: Uncertain significance for Nephrolithiasis/nephrocalcinosis. Last evaluated: 2024-09-12. Review status: criteria provided, single submitter. Criteria: Ambry Variant Classification Scheme 2023. Collection method: clinical testing. Allele origin: germline.
Comment: The c.492+5T>A intronic variant results from a T to A substitution 5 nucleotides after coding exon 2 in the CASR gene. This nucleotide position is not well conserved in available vertebrate species. In silico splice site analysis predicts that this alteration will not have any significant effect on splicing. Based on data from gnomAD, the frequency for this variant is above the maximum credible frequency for a CASR-related hypocalcemia-causing variant in this gene based on internally established thresholds (Karczewski et al. Nature. 2020 May;581(7809):434-443; Whiffin et al. Genet Med. 2017 10;19:1151-1158). In addition, the evidence for the gene-disease relationship is limited for pancreatitis and cancer predisposition; therefore, the clinical significance of this variant for CASR-related pancreatitis and cancer predisposition is unclear. Based on the supporting evidence, the association of this variant with neonatal hyperparathyroidism is unknown; however, the association of this variant with CASR-related hypocalcemia is unlikely.

Blueprint Genetics
Classification: Likely benign. Last evaluated: 2023-08-02. Review status: criteria provided, single submitter. Criteria: ACMG Guidelines, 2015. Collection method: clinical testing. Allele origin: germline.

Literature cited by the submitters: PubMed 30895164 (cited by Center for Genomic Medicine, Rigshospitalet, Copenhagen University Hospital).

NM_000388.4(CASR):c.492+5T>A

Gene: CASR (calcium sensing receptor; plus strand). Cytogenetic location: 3q21.1.
Variant type: single nucleotide variant.
Coding change: c.492+5T>A on transcript NM_000388.4 (MANE Select); 5 bases into the intron after coding-DNA position 492, T replaced by A.
Molecular consequence: intron variant.
Genome position (GRCh38, 1-based): chr3:122,257,392, T>A. VCF-style: chr3-122257392-T-A. GRCh37 (hg19) VCF-style: chr3-121976239-T-A.
Other names: c.492+5T>A (NM_001178065.2).
Identifiers: ClinVar variation 577179 (VCV000577179.26), dbSNP rs200277155, ClinGen allele CA2569476.